The following is an entry in ClinVar:

ClinVar aggregate classification (germline): Uncertain significance (1 of 4 stars; one submission).

Conditions:
Orofacial cleft 11 (OFC11). Also called: CLEFT LIP WITH OR WITHOUT CLEFT PALATE, NONSYNDROMIC, 11; Orofacial cleft 11; ofc11. Identifiers: MedGen C2677434, MONDO:0010906, OMIM 600625.
Microphthalmia with brain and digit anomalies (MCOPS6). Also called: MICROPHTHALMIA AND PITUITARY ANOMALIES; Microphthalmia, syndromic 6. Identifiers: Orphanet 139471, MedGen C1864689, MONDO:0011936, OMIM 607932.

gnomAD v4.1: 9 of 1,599,924 alleles (0.00056%); highest among the groups gnomAD compares: African/African-American, 0.0067%; no homozygotes.

Submission:

Labcorp Genetics (formerly Invitae), Labcorp
Classification: Uncertain significance for Microphthalmia with brain and digit anomalies; Orofacial cleft 11. Last evaluated: 2023-11-01. Review status: criteria provided, single submitter. Criteria: Invitae Variant Classification Sherloc (09022015). Collection method: clinical testing. Allele origin: germline.
Comment: This sequence change affects codon 116 of the BMP4 mRNA. It is a 'silent' change, meaning that it does not change the encoded amino acid sequence of the BMP4 protein. This variant is not present in population databases (gnomAD no frequency). This variant has not been reported in the literature in individuals affected with BMP4-related conditions. ClinVar contains an entry for this variant (Variation ID: 1989064). Algorithms developed to predict the effect of sequence changes on RNA splicing suggest that this variant may create or strengthen a splice site. In summary, the available evidence is currently insufficient to determine the role of this variant in disease. Therefore, it has been classified as a Variant of Uncertain Significance.

NM_001202.6(BMP4):c.348C>G (p.Thr116=)

Gene: BMP4 (bone morphogenetic protein 4; minus strand). Cytogenetic location: 14q22.2.
Variant type: single nucleotide variant.
Coding change: c.348C>G on transcript NM_001202.6 (MANE Select); coding-DNA position 348, C replaced by G.
Protein change: p.Thr116=; no amino-acid change (threonine 116 retained).
Molecular consequence: synonymous variant.
Genome position (GRCh38, 1-based): chr14:53,951,875, G>C on the plus strand (C>G on the coding strand, the complement: BMP4 is on the minus strand). VCF-style: chr14-53951875-G-C. GRCh37 (hg19) VCF-style: chr14-54418593-G-C.
Other names: c.489C>G, p.Thr163= (NM_001347912.1); c.159C>G, p.Thr53= (NM_001347913.2, NM_001347915.2, NM_001347917.1); c.348C>G, p.Thr116= (NM_001347914.2, NM_001347916.1, NM_130850.5 and 1 more transcripts).
Identifiers: ClinVar variation 1989064 (VCV001989064.4), dbSNP rs909451835, ClinGen allele CA486658607.